The following is an entry in ClinVar:

NM_002241.5(KCNJ10):c.106C>T (p.Arg36Cys)

Gene: KCNJ10 (potassium inwardly rectifying channel subfamily J member 10; minus strand). Cytogenetic location: 1q23.2.
Variant type: single nucleotide variant.
Coding change: c.106C>T on transcript NM_002241.5 (MANE Select); coding-DNA position 106, C replaced by T.
Protein change: p.Arg36Cys; replaces arginine 36 with cysteine.
Molecular consequence: missense variant.
Genome position (GRCh38, 1-based): chr1:160,042,427, G>A on the plus strand (C>T on the coding strand, the complement: KCNJ10 is on the minus strand). VCF-style: chr1-160042427-G-A. GRCh37 (hg19) VCF-style: chr1-160012217-G-A.
Other names: short protein forms R36C.
Identifiers: ClinVar variation 647114 (VCV000647114.10), dbSNP rs1256202581, ClinGen allele CA343230271.

ClinVar aggregate classification (germline): Uncertain significance. Review status: criteria provided, multiple submitters, no conflicts (2 of 4 stars). 2 submissions from 2 submitters: Uncertain significance (2). Last evaluated 2025-01-06.

Conditions:
EAST syndrome (SESAMES). Also called: SEIZURES, SENSORINEURAL DEAFNESS, ATAXIA, IMPAIRED INTELLECTUAL DEVELOPMENT, AND ELECTROLYTE IMBALANCE. Identifiers: Orphanet 199343, MedGen C2748572, MONDO:0013005, OMIM 612780.

Allele frequency attached by ClinVar (database versions not stated): gnomAD exomes below 0.00001; TOPMed below 0.00001.
gnomAD v4.1: 4 of 1,614,194 alleles (0.00025%); highest among the groups gnomAD compares: East Asian, 0.0022%; no homozygotes.

Submissions (2):

Labcorp Genetics (formerly Invitae), Labcorp
Classification: Uncertain significance for EAST syndrome. Last evaluated: 2025-01-06. Review status: criteria provided, single submitter. Criteria: Invitae Variant Classification Sherloc (09022015). Collection method: clinical testing. Allele origin: germline.
Comment: This sequence change replaces arginine, which is basic and polar, with cysteine, which is neutral and slightly polar, at codon 36 of the KCNJ10 protein (p.Arg36Cys). This variant is present in population databases (no rsID available, gnomAD 0.006%). This missense change has been observed in individual(s) with clinical features of SeSAME syndrome (PMID: 33084218). ClinVar contains an entry for this variant (Variation ID: 647114). Invitae Evidence Modeling of protein sequence and biophysical properties (such as structural, functional, and spatial information, amino acid conservation, physicochemical variation, residue mobility, and thermodynamic stability) has been performed for this missense variant. However, the output from this modeling did not meet the statistical confidence thresholds required to predict the impact of this variant on KCNJ10 protein function. In summary, the available evidence is currently insufficient to determine the role of this variant in disease. Therefore, it has been classified as a Variant of Uncertain Significance.

Neuberg Centre For Genomic Medicine, NCGM
Classification: Uncertain significance for EAST syndrome. Review status: criteria provided, single submitter. Criteria: ACMG Guidelines, 2015. Collection method: clinical testing. Allele origin: germline. Inheritance: Autosomal recessive inheritance. Affected: yes.
Comment: The missense c.106C>T(p.Arg36Cys) variant in KCNJ10 gene has not been reported previously as a pathogenic variant nor a benign variant, to our knowledge. The p.Arg36Cys variant has been reported with allele frequency of 0.0004% in gnomAD Exomes and is novel (not in any individuals) in 1000 Genomes. This variant has been reported to the ClinVar database as Uncertain Significance. The amino acid change p.Arg36Cys in KCNJ10 is predicted as conserved by GERP++ and PhyloP across 100 vertebrates. The amino acid Arg at position 36 is changed to a Cys changing protein sequence and it might alter its composition and physico-chemical properties. For these reasons, this variant has been classified as a Variant of Uncertain Significance (VUS).

Literature cited by the submitters: PubMed 33084218 (cited by Labcorp Genetics (formerly Invitae), Labcorp).